The following is an entry in ClinVar:

NM_000051.4(ATM):c.2171G>A (p.Gly724Asp)

Gene: ATM (ATM serine/threonine kinase; plus strand). Cytogenetic location: 11q22.3.
Variant type: single nucleotide variant.
Coding change: c.2171G>A on transcript NM_000051.4 (MANE Select); coding-DNA position 2171, G replaced by A.
Protein change: p.Gly724Asp; replaces glycine 724 with aspartic acid.
Molecular consequence: missense variant.
Genome position (GRCh38, 1-based): chr11:108,256,261, G>A. VCF-style: chr11-108256261-G-A. GRCh37 (hg19) VCF-style: chr11-108126988-G-A.
Other names: c.2171G>A, p.Gly724Asp (NM_001351834.2); short protein forms G724D.
Identifiers: ClinVar variation 482539 (VCV000482539.6), dbSNP rs1555074904, ClinGen allele CA382538803.

ClinVar aggregate classification (germline): Uncertain significance. Review status: criteria provided, single submitter (1 of 4 stars). 2 submissions from 2 submitters: Uncertain significance (1). 1 of the submissions does not count toward it. Last evaluated 2017-01-18.

Conditions:
Hereditary cancer-predisposing syndrome. Also called: Hereditary neoplastic syndrome; Neoplastic Syndromes, Hereditary; Tumor predisposition; Hereditary Cancer Syndrome. Identifiers: Orphanet 140162, MedGen C0027672, MeSH D009386, MONDO:0015356.
Ataxia-telangiectasia syndrome (AT). Also called: LOUIS-BAR SYNDROME; Cerebello-oculocutaneous telangiectasia; Immunodeficiency with ataxia telangiectasia; AT, COMPLEMENTATION GROUP C; Ataxia-telangiectasia, complementation group D; ATAXIA-TELANGIECTASIA, COMPLEMENTATION GROUP A. Identifiers: Orphanet 100, MedGen C0004135, MONDO:0008840, OMIM 208900.

Submissions (2):

Ambry Genetics
Classification: Uncertain significance for Hereditary cancer-predisposing syndrome. Last evaluated: 2017-01-18. Review status: criteria provided, single submitter. Criteria: Ambry Variant Classification Scheme 2023. Collection method: clinical testing. Allele origin: germline.
Comment: The p.G724D variant (also known as c.2171G>A), located in coding exon 13 of the ATM gene, results from a G to A substitution at nucleotide position 2171. The glycine at codon 724 is replaced by aspartic acid, an amino acid with similar properties. This amino acid position is highly conserved in available vertebrate species. In addition, the in silico prediction for this alteration is inconclusive. Since supporting evidence is limited at this time, the clinical significance of this alteration remains unclear.

Natera, Inc.
Classification: Uncertain significance for Ataxia-telangiectasia. Last evaluated: 2021-08-15. Review status: no assertion criteria provided. Collection method: clinical testing. Allele origin: germline. Not counted in ClinVar's aggregate classification.